The following is an entry in ClinVar:

NM_152424.4(AMER1):c.721C>T (p.Pro241Ser)

Gene: AMER1 (APC membrane recruitment protein 1; minus strand). Cytogenetic location: Xq11.2.
Variant type: single nucleotide variant.
Coding change: c.721C>T on transcript NM_152424.4 (MANE Select); coding-DNA position 721, C replaced by T.
Protein change: p.Pro241Ser; replaces proline 241 with serine.
Molecular consequence: missense variant.
Genome position (GRCh38, 1-based): chrX:64,192,566, G>A on the plus strand (C>T on the coding strand, the complement: AMER1 is on the minus strand). VCF-style: chrX-64192566-G-A. GRCh37 (hg19) VCF-style: chrX-63412446-G-A.
Other names: short protein forms P241S.
Identifiers: ClinVar variation 2968627 (VCV002968627.3), dbSNP rs1271751294, ClinGen allele CA413309846.

ClinVar aggregate classification (germline): Uncertain significance (1 of 4 stars; one submission).

Allele frequency attached by ClinVar (database versions not stated): gnomAD exomes 0.00001; TOPMed 0.00001.

Submission:

Labcorp Genetics (formerly Invitae), Labcorp
Classification: Uncertain significance. Last evaluated: 2023-11-06. Review status: criteria provided, single submitter. Criteria: Invitae Variant Classification Sherloc (09022015). Collection method: clinical testing. Allele origin: germline.
Comment: This sequence change replaces proline, which is neutral and non-polar, with serine, which is neutral and polar, at codon 241 of the AMER1 protein (p.Pro241Ser). This variant is present in population databases (no rsID available, gnomAD 0.001%). This variant has not been reported in the literature in individuals affected with AMER1-related conditions. Algorithms developed to predict the effect of missense changes on protein structure and function output the following: SIFT: "Not Available"; PolyPhen-2: "Benign"; Align-GVGD: "Not Available". The serine amino acid residue is found in multiple mammalian species, which suggests that this missense change does not adversely affect protein function. In summary, the available evidence is currently insufficient to determine the role of this variant in disease. Therefore, it has been classified as a Variant of Uncertain Significance.